The following is an entry in ClinVar:

NM_017433.5(MYO3A):c.680A>T (p.Asp227Val)

Gene: MYO3A (myosin IIIA; plus strand). Cytogenetic location: 10p12.1.
Variant type: single nucleotide variant.
Coding change: c.680A>T on transcript NM_017433.5 (MANE Select); coding-DNA position 680, A replaced by T.
Protein change: p.Asp227Val; replaces aspartic acid 227 with valine.
Molecular consequence: missense variant.
Genome position (GRCh38, 1-based): chr10:26,021,597, A>T. VCF-style: chr10-26021597-A-T. GRCh37 (hg19) VCF-style: chr10-26310526-A-T.
Other names: c.680A>T, p.Asp227Val (NM_001368265.1); short protein forms D227V.
Identifiers: ClinVar variation 1352833 (VCV001352833.6), dbSNP rs1842309816, ClinGen allele CA376332840.

ClinVar aggregate classification (germline): Uncertain significance (1 of 4 stars; one submission).

Submission:

Labcorp Genetics (formerly Invitae), Labcorp
Classification: Uncertain significance. Last evaluated: 2022-08-22. Review status: criteria provided, single submitter. Criteria: Invitae Variant Classification Sherloc (09022015). Collection method: clinical testing. Allele origin: germline.
Comment: In summary, the available evidence is currently insufficient to determine the role of this variant in disease. Therefore, it has been classified as a Variant of Uncertain Significance. Algorithms developed to predict the effect of missense changes on protein structure and function (SIFT, PolyPhen-2, Align-GVGD) all suggest that this variant is likely to be disruptive. This variant has not been reported in the literature in individuals affected with MYO3A-related conditions. This variant is not present in population databases (gnomAD no frequency). This sequence change replaces aspartic acid, which is acidic and polar, with valine, which is neutral and non-polar, at codon 227 of the MYO3A protein (p.Asp227Val).